The following is an entry in ClinVar:

ClinVar aggregate classification (germline): Likely benign (1 of 4 stars; one submission).

Allele frequency attached by ClinVar (database versions not stated): gnomAD 0.00003; TOPMed 0.00004; gnomAD exomes 0.00008; ExAC 0.00012.
gnomAD v4.1: 54 of 781,014 alleles (0.0069%); highest among the groups gnomAD compares: Middle Eastern, 0.09%; no homozygotes.

Submission:

CeGaT Center for Human Genetics Tuebingen
Classification: Likely benign. Last evaluated: 2022-12-01. Review status: criteria provided, single submitter. Criteria: CeGaT Center For Human Genetics Tuebingen Variant Classification Criteria Version 2. Collection method: clinical testing. Allele origin: germline. Affected: yes. Observed: 1 variant allele.
Comment: MRC1: BP4, BP7, BS2

NM_002438.4(MRC1):c.744A>G (p.Gln248=)

Gene: MRC1 (mannose receptor C-type 1; plus strand). Cytogenetic location: 10p12.33.
Variant type: single nucleotide variant.
Coding change: c.744A>G on transcript NM_002438.4 (MANE Select); coding-DNA position 744, A replaced by G.
Protein change: p.Gln248=; no amino-acid change (glutamine 248 retained).
Molecular consequence: synonymous variant.
Genome position (GRCh38, 1-based): chr10:17,833,781, A>G. VCF-style: chr10-17833781-A-G. GRCh37 (hg19) VCF-style: chr10-17875780-A-G.
Identifiers: ClinVar variation 2640335 (VCV002640335.23), dbSNP rs782152231, ClinGen allele CA5428091.